The following is an entry in ClinVar:

ClinVar aggregate classification (germline): Uncertain significance (1 of 4 stars; one submission).

Conditions:
Multiple endocrine neoplasia, type 1 (MEN1). Also called: MEA I; MEN I; WERMER SYNDROME; Endocrine adenomatosis multiple; MEN 1. Identifiers: Orphanet 652, MedGen C0025267, MeSH D018761, MONDO:0007540, OMIM 131100.

Submission:

Labcorp Genetics (formerly Invitae), Labcorp
Classification: Uncertain significance for Multiple endocrine neoplasia, type 1. Last evaluated: 2019-05-15. Review status: criteria provided, single submitter. Criteria: Invitae Variant Classification Sherloc (09022015). Collection method: clinical testing. Allele origin: germline.
Comment: In summary, the available evidence is currently insufficient to determine the role of this variant in disease. Therefore, it has been classified as a Variant of Uncertain Significance. Nucleotide substitutions within the consensus splice site are a relatively common cause of aberrant splicing (PMID: 17576681, 9536098). Algorithms developed to predict the effect of sequence changes on RNA splicing suggest that this variant is not likely to affect RNA splicing, but this prediction has not been confirmed by published transcriptional studies. This variant has not been reported in the literature in individuals with MEN1-related conditions. This variant is not present in population databases (ExAC no frequency). This sequence change falls in intron 3 of the MEN1 gene. It does not directly change the encoded amino acid sequence of the MEN1 protein, but it affects a nucleotide within the consensus splice site of the intron.

Literature cited by the submitters: PubMed 17576681; PubMed 9536098.

NM_001370259.2(MEN1):c.654+4T>C

Gene: MEN1 (menin 1; minus strand). Cytogenetic location: 11q13.1.
Variant type: single nucleotide variant.
Coding change: c.654+4T>C on transcript NM_001370259.2 (MANE Select); 4 bases into the intron after coding-DNA position 654, T replaced by C.
Molecular consequence: intron variant.
Genome position (GRCh38, 1-based): chr11:64,807,887, A>G on the plus strand (T>C on the coding strand, the complement: MEN1 is on the minus strand). VCF-style: chr11-64807887-A-G. GRCh37 (hg19) VCF-style: chr11-64575359-A-G.
Other names: c.669+4T>C (NM_130804.3, NM_130803.3, NM_000244.4 and 3 more transcripts); c.654+4T>C (NM_130799.3, NM_001370260.2, NM_001370251.2 and 1 more transcripts); c.549+109T>C (NM_001370263.2, NM_001370262.2).
Identifiers: ClinVar variation 835234 (VCV000835234.9), dbSNP rs1941847622, ClinGen allele CA916081651.